The following is an entry in ClinVar:

ClinVar aggregate classification (germline): Uncertain significance (1 of 4 stars; one submission).

Conditions:
Dilated cardiomyopathy 1DD (CMD1DD). Identifiers: Orphanet 154, MedGen C2750995, MONDO:0013168, OMIM 613172.

Submission:

Labcorp Genetics (formerly Invitae), Labcorp
Classification: Uncertain significance for Dilated cardiomyopathy 1DD. Last evaluated: 2022-02-21. Review status: criteria provided, single submitter. Criteria: Invitae Variant Classification Sherloc (09022015). Collection method: clinical testing. Allele origin: germline.
Comment: Advanced modeling of protein sequence and biophysical properties (such as structural, functional, and spatial information, amino acid conservation, physicochemical variation, residue mobility, and thermodynamic stability) performed at Invitae indicates that this missense variant is not expected to disrupt RBM20 protein function. In summary, the available evidence is currently insufficient to determine the role of this variant in disease. Therefore, it has been classified as a Variant of Uncertain Significance. This variant has not been reported in the literature in individuals affected with RBM20-related conditions. This variant is not present in population databases (gnomAD no frequency). This sequence change replaces aspartic acid, which is acidic and polar, with glutamic acid, which is acidic and polar, at codon 689 of the RBM20 protein (p.Asp689Glu).

NM_001134363.3(RBM20):c.2067C>A (p.Asp689Glu)

Gene: RBM20 (RNA binding motif protein 20; plus strand). Cytogenetic location: 10q25.2.
Variant type: single nucleotide variant.
Coding change: c.2067C>A on transcript NM_001134363.3 (MANE Select); coding-DNA position 2067, C replaced by A.
Protein change: p.Asp689Glu; replaces aspartic acid 689 with glutamic acid.
Molecular consequence: missense variant.
Genome position (GRCh38, 1-based): chr10:110,812,464, C>A. VCF-style: chr10-110812464-C-A. GRCh37 (hg19) VCF-style: chr10-112572222-C-A.
Other names: short protein forms D689E.
Identifiers: ClinVar variation 1954577 (VCV001954577.5), dbSNP rs2493473833, ClinGen allele CA378371276.